The following is an entry in ClinVar:

NM_133433.4(NIPBL):c.5054C>T (p.Thr1685Ile)

Gene: NIPBL (NIPBL cohesin loading factor; plus strand). Cytogenetic location: 5p13.2.
Variant type: single nucleotide variant.
Coding change: c.5054C>T on transcript NM_133433.4 (MANE Select); coding-DNA position 5054, C replaced by T.
Protein change: p.Thr1685Ile; replaces threonine 1685 with isoleucine.
Molecular consequence: missense variant.
Genome position (GRCh38, 1-based): chr5:37,020,502, C>T. VCF-style: chr5-37020502-C-T. GRCh37 (hg19) VCF-style: chr5-37020604-C-T.
Other names: c.5054C>T, p.Thr1685Ile (NM_015384.5); short protein forms T1685I.
Identifiers: ClinVar variation 973328 (VCV000973328.5), dbSNP rs775077572, ClinGen allele CA3236694.

ClinVar aggregate classification (germline): Uncertain significance. Review status: criteria provided, multiple submitters, no conflicts (2 of 4 stars). 2 submissions from 2 submitters: Uncertain significance (2). Last evaluated 2024-03-27.

Conditions:
De Lange syndrome (CDLS). Also called: Cornelia de Lange syndrome; CDL. Identifiers: Orphanet 199, MedGen C0270972, MONDO:0016033.
Cornelia de Lange syndrome 1 (CDLS1). Also called: TYPUS DEGENERATIVUS AMSTELODAMENSIS; Brachmann de Lange syndrome; NIPBL-Related Cornelia de Lange Syndrome. Identifiers: Orphanet 199, MedGen C4551851, MONDO:0007387, OMIM 122470.

Allele frequency attached by ClinVar (database versions not stated): gnomAD exomes below 0.00001 and 0.00001; ExAC 0.00001; TOPMed 0.00001.
gnomAD v4.1: 5 of 1,613,866 alleles (0.00031%); highest among the groups gnomAD compares: Admixed American, 0.0067%; no homozygotes.

Submissions (2):

Fulgent Genetics
Classification: Uncertain significance for Cornelia de Lange syndrome 1. Last evaluated: 2024-03-27. Review status: criteria provided, single submitter. Criteria: ACMG Guidelines, 2015. Collection method: clinical testing. Allele origin: germline.

Illumina Laboratory Services, Illumina
Classification: Uncertain significance for Cornelia de Lange Syndrome. Last evaluated: 2019-12-02. Review status: criteria provided, single submitter. Criteria: ICSLVariantClassificationCriteria RUGD 01 April 2020. Collection method: clinical testing. Allele origin: unknown.
Comment: The NIPBL c.5054C>T (p.Thr1685Ile) variant is a missense variant. A literature search was performed for the gene, cDNA change, and amino acid change. No publications were found based on this search. This variant is reported at a frequency of 0.000087 in the Latino population of the Genome Aggregation Database. Based on the limited evidence, the p.Thr1685Ile variant is classified as a variant of unknown significance for Cornelia de Lange syndrome.